The following is an entry in ClinVar:

NM_004519.4(KCNQ3):c.1720C>T (p.Pro574Ser)

Gene: KCNQ3 (potassium voltage-gated channel subfamily Q member 3; minus strand). Cytogenetic location: 8q24.22.
Variant type: single nucleotide variant.
Coding change: c.1720C>T on transcript NM_004519.4 (MANE Select); coding-DNA position 1720, C replaced by T.
Protein change: p.Pro574Ser; replaces proline 574 with serine.
Molecular consequence: missense variant.
Genome position (GRCh38, 1-based): chr8:132,134,369, G>A on the plus strand (C>T on the coding strand, the complement: KCNQ3 is on the minus strand). VCF-style: chr8-132134369-G-A. GRCh37 (hg19) VCF-style: chr8-133146616-G-A.
Other names: c.1360C>T, p.Pro454Ser (NM_001204824.2); short protein forms P574S, P454S.
Identifiers: ClinVar variation 21411 (VCV000021411.65), dbSNP rs74582884, ClinGen allele CA148176.

ClinVar aggregate classification (germline): Benign/Likely benign. Review status: criteria provided, multiple submitters, no conflicts (2 of 4 stars). 19 submissions from 19 submitters: Benign (8); Likely benign (6). 5 of the submissions do not count toward it. Last evaluated 2026-08-01.

Conditions:
KCNQ3-related disorder. Also called: KCNQ3-related condition; KCNQ3-Related Disorders. Identifiers: MedGen CN381530.
Inborn genetic diseases. Identifiers: MedGen C0950123, MeSH D030342.
Benign neonatal seizures. Also called: Benign familial neonatal epilepsy; Benign neonatal familial convulsions; Benign familial neonatal seizures; Convulsions benign familial neonatal dominant form; Autosomal dominant form of benign neonatal seizures. Identifiers: Orphanet 1949, MedGen C0220669, MONDO:0016027.
Seizures, benign familial neonatal, 2. Also called: CONVULSIONS, BENIGN FAMILIAL NEONATAL, 2; Seizures, benign neonatal, 2; KCNQ3-Related Benign Familial Neonatal Epilepsy; KCNQ3-Related Self-Limited Familial Neonatal Epilepsy (SLFNE); Benign Neonatal Epilepsy 2. Identifiers: Orphanet 1949, MedGen C1852581, MONDO:0007366, OMIM 121201.
Intellectual disability. Also called: Intellectual functioning disability; intellectual disabilities; Intellectual developmental disorder. Identifiers: MedGen C3714756, MeSH D008607, MONDO:0001071, HP:0001249.

Allele frequency attached by ClinVar (database versions not stated): 1000 Genomes Project 0.00160; 1000 Genomes Project 30x 0.00141; ESP Exome Variant Server 0.00254; TOPMed 0.00250.
gnomAD v4.1: 4,423 of 1,612,916 alleles (0.27%); highest among the groups gnomAD compares: Non-Finnish European, 0.33%; 13 homozygotes.

Submissions (19):

CeGaT Center for Human Genetics Tuebingen
Classification: Likely benign. Last evaluated: 2026-08-01. Review status: criteria provided, single submitter. Criteria: CeGaT Center For Human Genetics Tuebingen Variant Classification Criteria Version 2. Collection method: clinical testing. Allele origin: germline. Affected: yes. Observed: 16 variant alleles.
Comment: KCNQ3: PM5, BS1, BS2

Labcorp Genetics (formerly Invitae), Labcorp
Classification: Likely benign for Benign neonatal seizures. Last evaluated: 2026-02-03. Review status: criteria provided, single submitter. Criteria: Invitae Variant Classification Sherloc (09022015). Collection method: clinical testing. Allele origin: germline.

Blueprint Genetics
Classification: Likely benign. Last evaluated: 2024-11-27. Review status: criteria provided, single submitter. Criteria: ACMG Guidelines, 2015. Collection method: clinical testing. Allele origin: germline.

ARUP Laboratories, Molecular Genetics and Genomics, ARUP Laboratories
Classification: Benign for Seizures, benign familial neonatal, 2. Last evaluated: 2024-10-23. Review status: criteria provided, single submitter. Criteria: ARUP Molecular Germline Variant Investigation Process 2024. Collection method: clinical testing. Allele origin: germline.

Athena Diagnostics
Classification: Benign. Last evaluated: 2024-02-01. Review status: criteria provided, single submitter. Criteria: Athena Diagnostics Criteria. Collection method: clinical testing. Allele origin: unknown.

Mayo Clinic Laboratories, Mayo Clinic
Classification: Benign. Last evaluated: 2020-07-21. Review status: criteria provided, single submitter. Criteria: ACMG Guidelines, 2015. Collection method: clinical testing. Allele origin: germline. Observed: 5 variant alleles.

Diagnostic Laboratory, Strasbourg University Hospital
Classification: Likely benign for Intellectual disability. Last evaluated: 2020-04-20. Review status: criteria provided, single submitter. Criteria: ACMG Guidelines, 2015. Collection method: clinical testing. Allele origin: paternal. Inheritance: Autosomal dominant inheritance. Affected: yes. Observed: 1 heterozygote.

Mendelics
Classification: Benign for Seizures, benign familial neonatal, 2. Last evaluated: 2019-05-28. Review status: criteria provided, single submitter. Criteria: Mendelics Assertion Criteria 2017. Collection method: clinical testing. Allele origin: unknown.

Ambry Genetics
Classification: Benign for Inborn genetic diseases. Last evaluated: 2018-12-29. Review status: criteria provided, single submitter. Criteria: Ambry Variant Classification Scheme 2023. Collection method: clinical testing. Allele origin: germline.

GeneDx
Classification: Benign. Last evaluated: 2018-05-25. Review status: criteria provided, single submitter. Criteria: GeneDx Variant Classification Process June 2021. Collection method: clinical testing. Allele origin: germline. Affected: yes.
Comment: Published functional studies demonstrate no damaging effect, specifically, voltage clamp analysis revealed no significant reduction in potassium current as compared to wildtype (Neubauer et al., 2008); In silico analysis, which includes protein predictors and evolutionary conservation, supports that this variant does not alter protein structure/function; This variant is associated with the following publications: (PMID: 28351718, 20981092, 18625963, 19344764, 23596459, 25784856, 28488083, 27875746, 29948376)

Illumina Laboratory Services, Illumina
Classification: Benign for Seizures, benign familial neonatal, 2. Last evaluated: 2018-03-06. Review status: criteria provided, single submitter. Criteria: ICSL Variant Classification Criteria 13 December 2019. Collection method: clinical testing. Allele origin: germline.
Comment: This variant was observed in the ICSL laboratory as part of a predisposition screen in an ostensibly healthy population. It had not been previously curated by ICSL or reported in the Human Gene Mutation Database (HGMD: prior to June 1st, 2018), and was therefore a candidate for classification through an automated scoring system. Utilizing variant allele frequency, disease prevalence and penetrance estimates, and inheritance mode, an automated score was calculated to assess if this variant is too frequent to cause the disease. Based on the score and internal cut-off values, a variant classified as benign is not then subjected to further curation. The score for this variant resulted in a classification of benign for this disease.

Genomic Research Center, Shahid Beheshti University of Medical Sciences
Classification: Likely benign for Seizures, benign familial neonatal, 2. Last evaluated: 2018-03-05. Review status: criteria provided, single submitter. Criteria: ACMG Guidelines, 2015. Collection method: clinical testing. Allele origin: inherited. Affected: yes. Observed: 1 variant allele.

Genetic Services Laboratory, University of Chicago
Classification: Likely benign. Last evaluated: 2016-03-31. Review status: criteria provided, single submitter. Criteria: ACMG Guidelines, 2015. Collection method: clinical testing. Allele origin: germline. Affected: no.

Eurofins Ntd Llc (ga)
Classification: Benign. Last evaluated: 2014-06-03. Review status: criteria provided, single submitter. Criteria: EGL Classification Definitions 2015. Collection method: clinical testing. Allele origin: germline. Observed: 4 variant alleles, 4 heterozygotes.

PreventionGenetics, part of Exact Sciences
Classification: Likely benign for KCNQ3-related condition. Last evaluated: 2019-10-11. Review status: no assertion criteria provided. Collection method: clinical testing. Allele origin: germline. Not counted in ClinVar's aggregate classification.
Comment: This variant is classified as likely benign based on ACMG/AMP sequence variant interpretation guidelines (Richards et al. 2015 PMID: 25741868, with internal and published modifications).

Clinical Genetics DNA and cytogenetics Diagnostics Lab, Erasmus MC, Erasmus Medical Center
Classification: Likely benign. Review status: no assertion criteria provided. Collection method: clinical testing. Allele origin: germline. Affected: yes. Study: VKGL Data-share Consensus. Not counted in ClinVar's aggregate classification.

Diagnostic Laboratory, Department of Genetics, University Medical Center Groningen
Classification: Likely benign. Review status: no assertion criteria provided. Collection method: clinical testing. Allele origin: germline. Affected: yes. Study: VKGL Data-share Consensus. Not counted in ClinVar's aggregate classification.

GeneReviews
No classification provided. Condition: Seizures, benign familial neonatal, 2. Review status: no classification provided. Collection method: literature only. Allele origin: germline. Not counted in ClinVar's aggregate classification.
Comment: Allele is present at 0.3% in non-Finnish Europeans and 0.2% in Latinos (gnomAD). Overrepresented (p=0.008) in idiopathic generalized epilepsies (8/455 persons). Detected in other complex phenotypes; in 4 persons with rolandic epilepsy and in 1 with rolandic epilepsy and moderate psychomotor delay; in 3 persons with autism spectrum disorders and no additional neurologic features

Genome Diagnostics Laboratory, University Medical Center Utrecht
Classification: Likely benign. Review status: no assertion criteria provided. Collection method: clinical testing. Allele origin: germline. Affected: yes. Study: VKGL Data-share Consensus. Not counted in ClinVar's aggregate classification.

Literature cited by the submitters: PubMed 18625963 (cited by 3 submitters); PubMed 19344764 (cited by 4 submitters); PubMed 21703448 (cited by Ambry Genetics); PubMed 23596459 (cited by Eurofins Ntd Llc (ga) and GeneReviews); NCBI Bookshelf NBK201978 (cited by GeneReviews); PubMed 19464834 (cited by GeneReviews); PubMed 22612257 (cited by GeneReviews).